The following is an entry in ClinVar:

ClinVar aggregate classification (germline): Uncertain significance (1 of 4 stars; one submission).

gnomAD v4.1: 3 of 1,613,998 alleles (0.00019%); highest among the groups gnomAD compares: Non-Finnish European, 0.00025%; no homozygotes.

Submission:

Labcorp Genetics (formerly Invitae), Labcorp
Classification: Uncertain significance. Last evaluated: 2022-09-01. Review status: criteria provided, single submitter. Criteria: Invitae Variant Classification Sherloc (09022015). Collection method: clinical testing. Allele origin: germline.
Comment: In summary, the available evidence is currently insufficient to determine the role of this variant in disease. Therefore, it has been classified as a Variant of Uncertain Significance. Algorithms developed to predict the effect of missense changes on protein structure and function output the following: SIFT: "Tolerated"; PolyPhen-2: "Probably Damaging"; Align-GVGD: "Class C0". The isoleucine amino acid residue is found in multiple mammalian species, which suggests that this missense change does not adversely affect protein function. This variant has not been reported in the literature in individuals affected with HMCN1-related conditions. The frequency data for this variant in the population databases is considered unreliable, as metrics indicate poor data quality at this position in the gnomAD database. This sequence change replaces threonine, which is neutral and polar, with isoleucine, which is neutral and non-polar, at codon 5333 of the HMCN1 protein (p.Thr5333Ile).

NM_031935.3(HMCN1):c.15998C>T (p.Thr5333Ile)

Gene: HMCN1 (hemicentin 1; plus strand). Cytogenetic location: 1q31.1.
Variant type: single nucleotide variant.
Coding change: c.15998C>T on transcript NM_031935.3 (MANE Select); coding-DNA position 15998, C replaced by T.
Protein change: p.Thr5333Ile; replaces threonine 5333 with isoleucine.
Molecular consequence: missense variant.
Genome position (GRCh38, 1-based): chr1:186,178,470, C>T. VCF-style: chr1-186178470-C-T. GRCh37 (hg19) VCF-style: chr1-186147602-C-T.
Other names: short protein forms T5333I.
Identifiers: ClinVar variation 2076719 (VCV002076719.4), dbSNP rs764282915, ClinGen allele CA343937101.